The following is an entry in ClinVar:

NM_002887.4(RARS1):c.1939A>G (p.Lys647Glu)

Gene: RARS1 (arginyl-tRNA synthetase 1; plus strand). Cytogenetic location: 5q34.
Variant type: single nucleotide variant.
Coding change: c.1939A>G on transcript NM_002887.4 (MANE Select); coding-DNA position 1939, A replaced by G.
Protein change: p.Lys647Glu; replaces lysine 647 with glutamic acid.
Molecular consequence: missense variant.
Genome position (GRCh38, 1-based): chr5:168,519,146, A>G. VCF-style: chr5-168519146-A-G. GRCh37 (hg19) VCF-style: chr5-167946151-A-G.
Other names: short protein forms K647E.
Identifiers: ClinVar variation 1680450 (VCV001680450.6), dbSNP rs748870239, ClinGen allele CA3550078.

ClinVar aggregate classification (germline): Uncertain significance (1 of 4 stars; one submission).

Allele frequency attached by ClinVar (database versions not stated): gnomAD exomes below 0.00001 and 0.00001; ExAC 0.00001.
gnomAD v4.1: 16 of 1,614,108 alleles (0.00099%); highest among the groups gnomAD compares: Non-Finnish European, 0.0014%; no homozygotes.

Submission:

Labcorp Genetics (formerly Invitae), Labcorp
Classification: Uncertain significance. Last evaluated: 2022-06-05. Review status: criteria provided, single submitter. Criteria: Invitae Variant Classification Sherloc (09022015). Collection method: clinical testing. Allele origin: germline.
Comment: This sequence change replaces lysine, which is basic and polar, with glutamic acid, which is acidic and polar, at codon 647 of the RARS protein (p.Lys647Glu). This variant is present in population databases (rs748870239, gnomAD 0.0009%). This variant has not been reported in the literature in individuals affected with RARS-related conditions. Algorithms developed to predict the effect of missense changes on protein structure and function are either unavailable or do not agree on the potential impact of this missense change (SIFT: "Tolerated"; PolyPhen-2: "Possibly Damaging"; Align-GVGD: "Class C0"). In summary, the available evidence is currently insufficient to determine the role of this variant in disease. Therefore, it has been classified as a Variant of Uncertain Significance.